The following is an entry in ClinVar:

NM_017780.4(CHD7):c.5514G>A (p.Met1838Ile)

Gene: CHD7 (chromodomain helicase DNA binding protein 7; plus strand). Cytogenetic location: 8q12.2.
Variant type: single nucleotide variant.
Coding change: c.5514G>A on transcript NM_017780.4 (MANE Select); coding-DNA position 5514, G replaced by A.
Protein change: p.Met1838Ile; replaces methionine 1838 with isoleucine.
Molecular consequence: missense variant. On other transcripts: intron variant (1).
Genome position (GRCh38, 1-based): chr8:60,850,602, G>A. VCF-style: chr8-60850602-G-A. GRCh37 (hg19) VCF-style: chr8-61763161-G-A.
Other names: c.1717-11627G>A (NM_001316690.1); short protein forms M1838I.
Identifiers: ClinVar variation 666809 (VCV000666809.17), dbSNP rs374602567, ClinGen allele CA4760383.

ClinVar aggregate classification (germline): Conflicting classifications of pathogenicity. Review status: criteria provided, conflicting classifications (1 of 4 stars). 6 submissions from 6 submitters: Uncertain significance (4); Likely benign (2). Last evaluated 2025-11-14.

Conditions:
CHD7-related disorder. Also called: CHD7-related condition.
Inborn genetic diseases. Identifiers: MedGen C0950123, MeSH D030342.
CHARGE syndrome (CHARGE). Also called: Coloboma, heart anomaly, choanal atresia, retardation, genital and ear anomalies; CHARGE association; Hall-Hittner syndrome; Hittner Hirsch Kreh syndrome; CHARGE ASSOCIATION--COLOBOMA, HEART ANOMALY, CHOANAL ATRESIA, RETARDATION, GENITAL AND EAR ANOMALIES. Identifiers: Orphanet 138, MedGen C0265354, MONDO:0008965.

Allele frequency attached by ClinVar (database versions not stated): gnomAD exomes below 0.00001 and 0.00001; ExAC 0.00001; gnomAD 0.00001; TOPMed 0.00001; ESP Exome Variant Server 0.00008.

Submissions (6):

PreventionGenetics, part of Exact Sciences
Classification: Uncertain significance for CHD7-related condition. Last evaluated: 2025-11-14. Review status: criteria provided, single submitter. Criteria: ACMG Guidelines, 2015. Collection method: clinical testing. Allele origin: germline.
Comment: The CHD7 c.5514G>A variant is predicted to result in the amino acid substitution p.Met1838Ile. To our knowledge, this variant has not been reported in the literature. This variant is reported in 0.0027% of alleles in individuals of European (Non-Finnish) descent in gnomAD. At this time, the clinical significance of this variant is uncertain due to the absence of conclusive functional and genetic evidence.

Labcorp Genetics (formerly Invitae), Labcorp
Classification: Likely benign for CHARGE syndrome. Last evaluated: 2025-03-25. Review status: criteria provided, single submitter. Criteria: Invitae Variant Classification Sherloc (09022015). Collection method: clinical testing. Allele origin: germline.

Ambry Genetics
Classification: Uncertain significance for Inborn genetic diseases. Last evaluated: 2025-02-08. Review status: criteria provided, single submitter. Criteria: Ambry Variant Classification Scheme 2023. Collection method: clinical testing. Allele origin: germline.

Blueprint Genetics
Classification: Uncertain significance. Last evaluated: 2020-08-17. Review status: criteria provided, single submitter. Criteria: ACMG Guidelines, 2015. Collection method: clinical testing. Allele origin: germline.

Genetic Services Laboratory, University of Chicago
Classification: Likely benign. Last evaluated: 2020-03-27. Review status: criteria provided, single submitter. Criteria: ACMG Guidelines, 2015. Collection method: clinical testing. Allele origin: germline. Affected: no.
Comment: This sequence change does not appear to have been previously described in patients with CHD7-related disorders and has been described in the gnomAD database in three individuals (dbSNP rs374602567). The p.Met1838Ile change affects a highly conserved amino acid residue located in a domain of the CHD7 protein that is not known to be functional. In-silico pathogenicity prediction tools (SIFT, PolyPhen2, Align GVGD, REVEL) provide contradictory results for the p.Met1838Ile substitution. The presence of the above sequence change in a phenotypically normal individual (was found to be present in a phenotypically normal father) is indicative of this sequence change being a likely benign sequence change. However, functional studies have not been performed to prove this conclusively.

Laboratory for Molecular Medicine, Mass General Brigham Personalized Medicine
Classification: Uncertain significance. Last evaluated: 2018-09-17. Review status: criteria provided, single submitter. Criteria: LMM Criteria. Collection method: clinical testing. Allele origin: germline. Observed: 1 variant allele.
Comment: The p.Met1838Ile variant in CHD7 has not been previously reported in individuals with hearing loss or CHARGE syndrome but has been identified in 0.0027% (3/1101 96) European chromosomes by the Genome Aggregation Database (gnomAD). Computational prediction tools and conservation analysis do not provide strong support for or against an impact to the protein. In summa ry, the clinical significance of the p.Met1838Ile variant is uncertain. ACMG/AMP Criteria applied: none.